The following is an entry in ClinVar:

ClinVar aggregate classification (germline): Likely pathogenic (1 of 4 stars; one submission).

Conditions:
Carnitine acylcarnitine translocase deficiency (CACTD). Identifiers: Orphanet 159, MedGen C0342791, MONDO:0008918, OMIM 212138.

Submission:

Women's Health and Genetics/Laboratory Corporation of America, LabCorp
Classification: Likely pathogenic for Carnitine acylcarnitine translocase deficiency. Last evaluated: 2022-05-26. Review status: criteria provided, single submitter. Criteria: LabCorp Variant Classification Summary - May 2015. Collection method: clinical testing. Allele origin: germline.
Comment: Variant summary: SLC25A20 c.625delG (p.Ala209ProfsX45) results in a premature termination codon, predicted to cause a truncation of the encoded protein or absence of the protein due to nonsense mediated decay, which are commonly known mechanisms for disease. Truncations downstream of this position have been classified as pathogenic by our laboratory. The variant was absent in 250922 control chromosomes. To our knowledge, no occurrence of c.625delG in individuals affected with Carnitine-Acylcarnitine Translocase Deficiency and no experimental evidence demonstrating its impact on protein function have been reported. No clinical diagnostic laboratories have submitted clinical-significance assessments for this variant to ClinVar after 2014. Based on the evidence outlined above, the variant was classified as likely pathogenic.

NM_000387.6(SLC25A20):c.625del (p.Ala209fs)

Gene: SLC25A20 (solute carrier family 25 member 20; minus strand). Cytogenetic location: 3p21.31.
Variant type: Deletion.
Coding change: c.625del on transcript NM_000387.6 (MANE Select); coding-DNA position 625, one base deleted (G; older notation c.625delG).
Protein change: p.Ala209fs; shifts the reading frame from alanine 209.
Molecular consequence: frameshift variant.
Genome position (GRCh38, 1-based): chr3:48,859,185, C deleted on the plus strand (G on the coding strand, the reverse complement: SLC25A20 is on the minus strand). VCF-style (leftmost placement, unchanged base first): chr3-48859184-GC-G. GRCh37 (hg19) VCF-style: chr3-48896617-GC-G.
Other names: c.625delG (NM_000387.5); short protein forms A209fs.
Identifiers: ClinVar variation 1696129 (VCV001696129.2), dbSNP rs2106637622, ClinGen allele CA2580069961.